The following is an entry in ClinVar:

NM_001079802.2(FKTN):c.793G>C (p.Asp265His)

Gene: FKTN (fukutin; plus strand). Cytogenetic location: 9q31.2.
Variant type: single nucleotide variant.
Coding change: c.793G>C on transcript NM_001079802.2 (MANE Select); coding-DNA position 793, G replaced by C.
Protein change: p.Asp265His; replaces aspartic acid 265 with histidine.
Molecular consequence: missense variant. On other transcripts: non-coding transcript variant (1).
Genome position (GRCh38, 1-based): chr9:105,615,290, G>C. VCF-style: chr9-105615290-G-C. GRCh37 (hg19) VCF-style: chr9-108377571-G-C.
Other names: p.Asp265His; c.793G>C (NM_001079802.1); c.793G>C, p.Asp265His (NM_001198963.2, NM_001351496.2, NM_001351498.2 and 1 more transcripts); c.724G>C, p.Asp242His (NM_001351497.2); c.397G>C, p.Asp133His (NM_001351499.2, NM_001351500.2, NM_001351501.2 and 1 more transcripts); short protein forms D242H, D133H, D265H.
Identifiers: ClinVar variation 1521552 (VCV001521552.8), dbSNP rs1372525892, ClinGen allele CA374377112.
Genomic context (GRCh38, chr9:105,615,290, plus strand): 5'-AGCAATTTAGAAATGGCTGTAATAGCTGACTATTTATTATATCTGTAGCAGTACCTTGAT[G>C]ATAACACTGTGGAAGCTGTGGCCTTTCGGAAGAGTGCAAAGGAATTACTGCAACTAGCAG-3'
Protein context (NP_001073270.1, residues 255-275): ARAFFQQYLD[Asp265His]NTVEAVAFRK

ClinVar aggregate classification (germline): Uncertain significance. Review status: criteria provided, multiple submitters, no conflicts (2 of 4 stars). 3 submissions from 3 submitters: Uncertain significance (3). Last evaluated 2023-10-30.

Conditions:
Cardiovascular phenotype. Identifiers: MedGen CN230736.
Walker-Warburg congenital muscular dystrophy. Also called: Muscular dystrophy-dystroglycanopathy, type A; Walker-Warburg syndrome. Identifiers: Orphanet 899, MedGen C0265221, MONDO:0000171.

Allele frequency attached by ClinVar (database versions not stated): TOPMed below 0.00001; gnomAD 0.00001.
gnomAD v4.1: 1 of 1,613,922 alleles (0.000062%); highest among the groups gnomAD compares: African/African-American, 0.0013%; no homozygotes.

Submissions (3):

Mayo Clinic Laboratories, Mayo Clinic
Classification: Uncertain significance. Last evaluated: 2023-10-30. Review status: criteria provided, single submitter. Criteria: ACMG Guidelines, 2015. Collection method: clinical testing. Allele origin: germline. Observed: 1 variant allele.
Comment: PM2

Ambry Genetics
Classification: Uncertain significance for Cardiovascular phenotype. Last evaluated: 2023-09-30. Review status: criteria provided, single submitter. Criteria: Ambry Variant Classification Scheme 2023. Collection method: clinical testing. Allele origin: germline.
Comment: The p.D265H variant (also known as c.793G>C), located in coding exon 6 of the FKTN gene, results from a G to C substitution at nucleotide position 793. The aspartic acid at codon 265 is replaced by histidine, an amino acid with similar properties. This amino acid position is conserved. In addition, this alteration is predicted to be deleterious by in silico analysis. Since supporting evidence is limited at this time, the clinical significance of this alteration remains unclear.

Labcorp Genetics (formerly Invitae), Labcorp
Classification: Uncertain significance for Walker-Warburg congenital muscular dystrophy. Last evaluated: 2021-09-06. Review status: criteria provided, single submitter. Criteria: Invitae Variant Classification Sherloc (09022015). Collection method: clinical testing. Allele origin: germline.
Comment: This variant has not been reported in the literature in individuals affected with FKTN-related conditions. This variant is not present in population databases (ExAC no frequency). This sequence change replaces aspartic acid with histidine at codon 265 of the FKTN protein (p.Asp265His). The aspartic acid residue is highly conserved and there is a moderate physicochemical difference between aspartic acid and histidine. Algorithms developed to predict the effect of missense changes on protein structure and function are either unavailable or do not agree on the potential impact of this missense change (SIFT: "Deleterious"; PolyPhen-2: "Possibly Damaging"; Align-GVGD: "Class C0"). In summary, the available evidence is currently insufficient to determine the role of this variant in disease. Therefore, it has been classified as a Variant of Uncertain Significance.